The following is an entry in ClinVar:

NM_000350.3(ABCA4):c.692C>T (p.Ser231Phe)

Gene: ABCA4 (ATP binding cassette subfamily A member 4; minus strand). Cytogenetic location: 1p22.1.
Variant type: single nucleotide variant.
Coding change: c.692C>T on transcript NM_000350.3 (MANE Select); coding-DNA position 692, C replaced by T.
Protein change: p.Ser231Phe; replaces serine 231 with phenylalanine.
Molecular consequence: missense variant.
Genome position (GRCh38, 1-based): chr1:94,098,870, G>A on the plus strand (C>T on the coding strand, the complement: ABCA4 is on the minus strand). VCF-style: chr1-94098870-G-A. GRCh37 (hg19) VCF-style: chr1-94564426-G-A.
Other names: c.692C>T, p.Ser231Phe (NM_001425324.1); short protein forms S231F.
Identifiers: ClinVar variation 1037591 (VCV001037591.8), dbSNP rs1425185788, ClinGen allele CA341289331.

ClinVar aggregate classification (germline): Uncertain significance (1 of 4 stars; one submission).

Allele frequency attached by ClinVar (database versions not stated): gnomAD exomes below 0.00001; TOPMed below 0.00001.
gnomAD v4.1: 1 of 1,614,122 alleles (0.000062%); highest among the groups gnomAD compares: Non-Finnish European, 0.000085%; no homozygotes.

Submission:

Labcorp Genetics (formerly Invitae), Labcorp
Classification: Uncertain significance. Last evaluated: 2022-07-12. Review status: criteria provided, single submitter. Criteria: Invitae Variant Classification Sherloc (09022015). Collection method: clinical testing. Allele origin: germline.
Comment: This variant is present in population databases (no rsID available, gnomAD 0.0009%). This sequence change replaces serine, which is neutral and polar, with phenylalanine, which is neutral and non-polar, at codon 231 of the ABCA4 protein (p.Ser231Phe). In summary, the available evidence is currently insufficient to determine the role of this variant in disease. Therefore, it has been classified as a Variant of Uncertain Significance. Advanced modeling of protein sequence and biophysical properties (such as structural, functional, and spatial information, amino acid conservation, physicochemical variation, residue mobility, and thermodynamic stability) performed at Invitae indicates that this missense variant is not expected to disrupt ABCA4 protein function. ClinVar contains an entry for this variant (Variation ID: 1037591). This variant has not been reported in the literature in individuals affected with ABCA4-related conditions.